The following is an entry in ClinVar:

NM_000501.4(ELN):c.691G>A (p.Gly231Arg)

Gene: ELN (elastin; plus strand). Cytogenetic location: 7q11.23.
Variant type: single nucleotide variant.
Coding change: c.691G>A on transcript NM_000501.4 (MANE Select); coding-DNA position 691, G replaced by A.
Protein change: p.Gly231Arg; replaces glycine 231 with arginine.
Molecular consequence: missense variant.
Genome position (GRCh38, 1-based): chr7:74,048,147, G>A. VCF-style: chr7-74048147-G-A. GRCh37 (hg19) VCF-style: chr7-73462477-G-A.
Other names: c.661G>A, p.Gly221Arg (NM_001081752.3, NM_001278917.2); c.706G>A, p.Gly236Arg (NM_001081753.3, NM_001081754.3); c.691G>A, p.Gly231Arg (NM_001081755.3, NM_001278912.2, NM_001278915.2 and 1 more transcripts); c.583G>A, p.Gly195Arg (NM_001278913.2); c.676G>A, p.Gly226Arg (NM_001278914.2); c.649G>A, p.Gly217Arg (NM_001278916.2); c.559G>A, p.Gly187Arg (NM_001278918.2); c.691G>A (NM_000501.2); short protein forms G195R, G217R, G226R, G221R, G236R, G187R, G231R.
Identifiers: ClinVar variation 2137877 (VCV002137877.5), dbSNP rs782012437, ClinGen allele CA4292640.
Genomic context (GRCh38, chr7:74,048,147, plus strand): 5'-AGGGCAGCAGTGGTGATGTCTGCACAGATGACCATCAAGCCTCTCTGTTTTGCAGGCTAT[G>A]GGCCCGGAGGAGTGGCTGGTGCAGCGGGCAAGGCTGGTTACCCAACAGGGACAGGTAAGG-3'
Protein context (NP_000492.2, residues 221-241): YTTGKLPYGY[Gly231Arg]PGGVAGAAGK

ClinVar aggregate classification (germline): Uncertain significance. Review status: criteria provided, multiple submitters, no conflicts (2 of 4 stars). 2 submissions from 2 submitters: Uncertain significance (2). Last evaluated 2026-03-26.

Conditions:
Inborn genetic diseases. Identifiers: MedGen C0950123, MeSH D030342.
Supravalvar aortic stenosis (SVAS). Also called: Supravalvar aortic stenosis, Eisenberg type. Identifiers: Orphanet 3193, MedGen C0003499, MONDO:0008504, OMIM 185500, HP:0004381.

Allele frequency attached by ClinVar (database versions not stated): ExAC 0.00003; gnomAD exomes 0.00002; TOPMed 0.00001.
gnomAD v4.1: 30 of 1,614,064 alleles (0.0019%); highest among the groups gnomAD compares: Admixed American, 0.0083%; no homozygotes.

Submissions (2):

Ambry Genetics
Classification: Uncertain significance for Inborn genetic diseases. Last evaluated: 2026-03-26. Review status: criteria provided, single submitter. Criteria: Ambry Variant Classification Scheme 2023. Collection method: clinical testing. Allele origin: germline.
Comment: The c.691G>A (p.G231R) alteration is located in exon 14 (coding exon 14) of the ELN gene. This alteration results from a G to A substitution at nucleotide position 691, causing the glycine (G) at amino acid position 231 to be replaced by an arginine (R). Based on data from gnomAD, the A allele has an overall frequency of 0.003% (7/251366) total alleles studied. The highest observed frequency was 0.012% (4/34568) of Latino alleles. Based on insufficient or conflicting evidence, the clinical significance of this alteration remains unclear.

Labcorp Genetics (formerly Invitae), Labcorp
Classification: Uncertain significance for Supravalvar aortic stenosis. Last evaluated: 2026-01-20. Review status: criteria provided, single submitter. Criteria: Invitae Variant Classification Sherloc (09022015). Collection method: clinical testing. Allele origin: germline.
Comment: This sequence change replaces glycine, which is neutral and non-polar, with arginine, which is basic and polar, at codon 231 of the ELN protein (p.Gly231Arg). This variant is present in population databases (rs782012437, gnomAD 0.01%). This variant has not been reported in the literature in individuals affected with ELN-related conditions. ClinVar contains an entry for this variant (Variation ID: 2137877). Invitae Evidence Modeling of protein sequence and biophysical properties (such as structural, functional, and spatial information, amino acid conservation, physicochemical variation, residue mobility, and thermodynamic stability) indicates that this missense variant is not expected to disrupt ELN protein function with a negative predictive value of 80%. In summary, the available evidence is currently insufficient to determine the role of this variant in disease. Therefore, it has been classified as a Variant of Uncertain Significance.